The following is an entry in ClinVar:

NM_000179.3(MSH6):c.3658G>T (p.Ala1220Ser)

Gene: MSH6 (mutS homolog 6; plus strand). Cytogenetic location: 2p16.3.
Variant type: single nucleotide variant.
Coding change: c.3658G>T on transcript NM_000179.3 (MANE Select); coding-DNA position 3658, G replaced by T.
Protein change: p.Ala1220Ser; replaces alanine 1220 with serine.
Molecular consequence: missense variant. On other transcripts: non-coding transcript variant (5).
Genome position (GRCh38, 1-based): chr2:47,806,215, G>T. VCF-style: chr2-47806215-G-T. GRCh37 (hg19) VCF-style: chr2-48033354-G-T.
Other names: c.3268G>T, p.Ala1090Ser (NM_001281492.2); c.2752G>T, p.Ala918Ser (NM_001281493.2, NM_001281494.2, NM_001406811.1 and 6 more transcripts); c.3361G>T, p.Ala1121Ser (NM_001406801.1, NM_001406797.1, NM_001406805.1 and 10 more transcripts); c.3754G>T, p.Ala1252Ser (NM_001406795.1, NM_001406802.1); c.3658G>T, p.Ala1220Ser (NM_001406800.1, NM_001406796.1, NM_001406808.1 and 1 more transcripts); c.3484G>T, p.Ala1162Ser (NM_001406798.1); c.3133G>T, p.Ala1045Ser (NM_001406799.1, NM_001406806.1, NM_001406807.1); c.2794G>T, p.Ala932Ser (NM_001406803.1); and 7 more; short protein forms A1045S, A1090S, A1121S, A1162S, A1164S, A1194S, A1220S, A1222S.
Identifiers: ClinVar variation 3071304 (VCV003071304.1), dbSNP rs769427505, ClinGen allele CA346760828.
Genomic context (GRCh38, chr2:47,806,215, plus strand): 5'-TGTTTTAATTCCTTTGAGTTACTTCCTTATGCATATTTTACTTTAACAGGAAGAGGTACT[G>T]CAACATTTGATGGGACGGCAATAGCAAATGCAGTTGTTAAAGAACTTGCTGAGACTATAA-3'
Protein context (NP_000170.1, residues 1210-1230): VLVDELGRGT[Ala1220Ser]TFDGTAIANA

ClinVar aggregate classification (germline): Uncertain significance (1 of 4 stars; one submission).

Conditions:
Lynch syndrome. Identifiers: Orphanet 144, MedGen C4552100, MONDO:0005835. Disease mechanism: loss of function.

Submission:

All of Us Research Program, National Institutes of Health
Classification: Uncertain significance for Lynch syndrome. Last evaluated: 2023-05-31. Review status: criteria provided, single submitter. Criteria: ACMG Guidelines, 2015. Collection method: clinical testing. Allele origin: germline. Inheritance: Autosomal dominant inheritance. Observed: 1 variant allele, 1 heterozygote.
Comment: This study involves interpretation of variants in research participants for the purpose of population health screening. Participant phenotype was not available at the time of variant classification. Additional details can be found in publication PMID: 35346344, PMCID: PMC8962531